The following is an entry in ClinVar:

NM_032043.3(BRIP1):c.2606A>C (p.Gln869Pro)

Gene: BRIP1 (BRCA1 interacting DNA helicase 1; minus strand). Cytogenetic location: 17q23.2.
Variant type: single nucleotide variant.
Coding change: c.2606A>C on transcript NM_032043.3 (MANE Select); coding-DNA position 2606, A replaced by C.
Protein change: p.Gln869Pro; replaces glutamine 869 with proline.
Molecular consequence: missense variant.
Genome position (GRCh38, 1-based): chr17:61,686,135, T>G on the plus strand (A>C on the coding strand, the complement: BRIP1 is on the minus strand). VCF-style: chr17-61686135-T-G. GRCh37 (hg19) VCF-style: chr17-59763496-T-G.
Other names: short protein forms Q869P.
Identifiers: ClinVar variation 2003651 (VCV002003651.5), dbSNP rs1060501733, ClinGen allele CA400481957.

ClinVar aggregate classification (germline): Uncertain significance. Review status: criteria provided, multiple submitters, no conflicts (2 of 4 stars). 2 submissions from 2 submitters: Uncertain significance (2). Last evaluated 2026-03-05.

Conditions:
Familial cancer of breast. Also called: BREAST CANCER, FAMILIAL; Hereditary breast cancer; hereditary breast carcinoma. Identifiers: Orphanet 227535, MedGen C0346153, MONDO:0016419, OMIM 114480. Disease mechanism: loss of function.
Fanconi anemia complementation group J. Also called: BRIP1-Related Fanconi Anemia. Identifiers: Orphanet 84, MedGen C1836860, MONDO:0012187, OMIM 609054.
Hereditary cancer-predisposing syndrome. Also called: Neoplastic Syndromes, Hereditary; Tumor predisposition; Hereditary Cancer Syndrome; Hereditary neoplastic syndrome. Identifiers: Orphanet 140162, MedGen C0027672, MeSH D009386, MONDO:0015356.

gnomAD v4.1: 1 of 1,614,108 alleles (0.000062%); highest among the groups gnomAD compares: Non-Finnish European, 0.000085%; no homozygotes.

Submissions (2):

Ambry Genetics
Classification: Uncertain significance for Hereditary cancer-predisposing syndrome. Last evaluated: 2026-03-05. Review status: criteria provided, single submitter. Criteria: Ambry Variant Classification Scheme 2023. Collection method: clinical testing. Allele origin: germline.
Comment: The p.Q869P variant (also known as c.2606A>C), located in coding exon 18 of the BRIP1 gene, results from an A to C substitution at nucleotide position 2606. The glutamine at codon 869 is replaced by proline, an amino acid with similar properties. This amino acid position is well conserved in available vertebrate species. In addition, the in silico prediction for this alteration is inconclusive. Based on the available evidence, the clinical significance of this variant remains unclear.

Labcorp Genetics (formerly Invitae), Labcorp
Classification: Uncertain significance for Familial cancer of breast; Fanconi anemia complementation group J. Last evaluated: 2024-11-20. Review status: criteria provided, single submitter. Criteria: Invitae Variant Classification Sherloc (09022015). Collection method: clinical testing. Allele origin: germline.
Comment: This sequence change replaces glutamine, which is neutral and polar, with proline, which is neutral and non-polar, at codon 869 of the BRIP1 protein (p.Gln869Pro). This variant is not present in population databases (gnomAD no frequency). This variant has not been reported in the literature in individuals affected with BRIP1-related conditions. ClinVar contains an entry for this variant (Variation ID: 2003651). Invitae Evidence Modeling of protein sequence and biophysical properties (such as structural, functional, and spatial information, amino acid conservation, physicochemical variation, residue mobility, and thermodynamic stability) has been performed for this missense variant. However, the output from this modeling did not meet the statistical confidence thresholds required to predict the impact of this variant on BRIP1 protein function. In summary, the available evidence is currently insufficient to determine the role of this variant in disease. Therefore, it has been classified as a Variant of Uncertain Significance.